The following is an entry in ClinVar:

NM_004407.4(DMP1):c.724T>C (p.Ser242Pro)

Genes: DMP1 (dentin matrix acidic phosphoprotein 1; plus strand), DMP1-AS1 (DMP1 and DSPP antisense RNA 1; minus strand). Cytogenetic location: 4q22.1.
Variant type: single nucleotide variant.
Coding change: c.724T>C on transcript NM_004407.4 (MANE Select); coding-DNA position 724, T replaced by C.
Protein change: p.Ser242Pro; replaces serine 242 with proline.
Molecular consequence: missense variant.
Genome position (GRCh38, 1-based): chr4:87,662,502, T>C. VCF-style: chr4-87662502-T-C. GRCh37 (hg19) VCF-style: chr4-88583654-T-C.
Other names: c.676T>C, p.Ser226Pro (NM_001079911.3); short protein forms S226P, S242P.
Identifiers: ClinVar variation 905667 (VCV000905667.13), dbSNP rs147552663, ClinGen allele CA3002081.
Genomic context (GRCh38, chr4:87,662,502, plus strand): 5'-AGCATCAGGAGTGAAAGGGGAAACTCCAGAATGAACAGTGCAGGCATGAAATCAAAAGAA[T>C]CTGGAGAAAACAGTGAGCAAGCAAACACTCAAGATTCAGGTGGCAGCCAATTGCTGGAGC-3'
Protein context (NP_004398.1, residues 232-252): MNSAGMKSKE[Ser242Pro]GENSEQANTQ

ClinVar aggregate classification (germline): Likely benign. Review status: criteria provided, multiple submitters, no conflicts (2 of 4 stars). 4 submissions from 4 submitters: Likely benign (4). Last evaluated 2025-12-20.

Conditions:
Hypophosphatemic rickets, autosomal recessive, 1 (ARHR1). Also called: HYPOPHOSPHATEMIA, AUTOSOMAL RECESSIVE. Identifiers: Orphanet 289176, MedGen C4551495, MONDO:0009430, OMIM 241520. Disease mechanism: loss of function.

Allele frequency attached by ClinVar (database versions not stated): gnomAD exomes 0.00008 and 0.00021; ExAC 0.00030; 1000 Genomes Project 0.00040; 1000 Genomes Project 30x 0.00047; gnomAD 0.00072 and 0.00080; TOPMed 0.00098; ESP Exome Variant Server 0.00146.

Submissions (4):

Labcorp Genetics (formerly Invitae), Labcorp
Classification: Likely benign. Last evaluated: 2025-12-20. Review status: criteria provided, single submitter. Criteria: Invitae Variant Classification Sherloc (09022015). Collection method: clinical testing. Allele origin: germline.

Women's Health and Genetics/Laboratory Corporation of America, LabCorp
Classification: Likely benign. Last evaluated: 2025-05-14. Review status: criteria provided, single submitter. Criteria: LabCorp Variant Classification Summary - May 2015. Collection method: clinical testing. Allele origin: germline.
Comment: Variant summary: DMP1 c.724T>C (p.Ser242Pro) results in a non-conservative amino acid change in the encoded protein sequence. Algorithms developed to predict the effect of missense changes on protein structure and function are either unavailable or do not agree on the potential impact of this missense change. The variant allele was found at a frequency of 0.00021 in 250734 control chromosomes, predominantly at a frequency of 0.0031 within the African or African-American subpopulation in the gnomAD database. The observed variant frequency within African or African-American control individuals in the gnomAD database exceeds the estimated maximal expected allele frequency for a pathogenic variant in DMP1 causing Hypophosphatemic Rickets, Autosomal Recessive, 1 phenotype. To our knowledge, no occurrence of c.724T>C in individuals affected with Hypophosphatemic Rickets, Autosomal Recessive, 1 and no experimental evidence demonstrating its impact on protein function have been reported. ClinVar contains an entry for this variant (Variation ID: 905667). Based on the evidence outlined above, the variant was classified as likely benign.

Illumina Laboratory Services, Illumina
Classification: Likely benign for Hypophosphatemic rickets, autosomal recessive, 1. Last evaluated: 2018-01-12. Review status: criteria provided, single submitter. Criteria: ICSL Variant Classification Criteria 13 December 2019. Collection method: clinical testing. Allele origin: germline.
Comment: This variant was observed in the ICSL laboratory as part of a predisposition screen in an ostensibly healthy population. It had not been previously curated by ICSL or reported in the Human Gene Mutation Database (HGMD: prior to June 1st, 2018), and was therefore a candidate for classification through an automated scoring system. Utilizing variant allele frequency, disease prevalence and penetrance estimates, and inheritance mode, an automated score was calculated to assess if this variant is too frequent to cause the disease. Based on the score and internal cut-off values, a variant classified as likely benign is not then subjected to further curation. The score for this variant resulted in a classification of likely benign for this disease.

Breakthrough Genomics
Classification: Likely benign. Review status: criteria provided, single submitter. Criteria: ACMG Guidelines, 2015. Collection method: not provided. Allele origin: germline. Inheritance: Autosomal recessive inheritance. Affected: yes.